The following is an entry in ClinVar:

ClinVar aggregate classification (germline): Likely benign (1 of 4 stars; one submission).

Allele frequency attached by ClinVar (database versions not stated): ExAC 0.00001; gnomAD 0.00003; gnomAD exomes 0.00003.
gnomAD v4.1: 57 of 1,613,360 alleles (0.0035%); highest among the groups gnomAD compares: Non-Finnish European, 0.0041%; no homozygotes.

Submission:

CeGaT Center for Human Genetics Tuebingen
Classification: Likely benign. Last evaluated: 2022-11-01. Review status: criteria provided, single submitter. Criteria: CeGaT Center For Human Genetics Tuebingen Variant Classification Criteria Version 2. Collection method: clinical testing. Allele origin: germline. Affected: yes. Observed: 1 variant allele.
Comment: FLG: BP4, BP7

NM_002016.2(FLG):c.7164G>A (p.Gln2388=)

Genes: CCDST (cervical cancer associated DHX9 suppressive transcript; plus strand), FLG (filaggrin; minus strand). Cytogenetic location: 1q21.3.
Variant type: single nucleotide variant.
Coding change: c.7164G>A on transcript NM_002016.2 (MANE Select); coding-DNA position 7164, G replaced by A.
Protein change: p.Gln2388=; no amino-acid change (glutamine 2388 retained).
Molecular consequence: synonymous variant.
Genome position (GRCh38, 1-based): chr1:152,307,722, C>T on the plus strand (G>A on the coding strand, the complement: FLG is on the minus strand). VCF-style: chr1-152307722-C-T. GRCh37 (hg19) VCF-style: chr1-152280198-C-T.
Identifiers: ClinVar variation 2639271 (VCV002639271.24), dbSNP rs773927647, ClinGen allele CA1104875.